The following is an entry in ClinVar:

NM_001378454.1(ALMS1):c.566C>T (p.Ser189Phe)

Gene: ALMS1 (ALMS1 centrosome and basal body associated protein; plus strand). Cytogenetic location: 2p13.1.
Variant type: single nucleotide variant.
Coding change: c.566C>T on transcript NM_001378454.1 (MANE Select); coding-DNA position 566, C replaced by T.
Protein change: p.Ser189Phe; replaces serine 189 with phenylalanine.
Molecular consequence: missense variant.
Genome position (GRCh38, 1-based): chr2:73,419,238, C>T. VCF-style: chr2-73419238-C-T. GRCh37 (hg19) VCF-style: chr2-73646366-C-T.
Other names: c.569C>T, p.Ser190Phe (NM_015120.4); short protein forms S189F, S190F.
Identifiers: ClinVar variation 1968444 (VCV001968444.5), dbSNP rs1414655777, ClinGen allele CA347259143.

ClinVar aggregate classification (germline): Uncertain significance (1 of 4 stars; one submission).

Conditions:
Alstrom syndrome (ALMS). Identifiers: Orphanet 64, MedGen C0268425, MONDO:0008763, OMIM 203800.

gnomAD v4.1: 2 of 1,614,050 alleles (0.00012%); no homozygotes.

Submission:

Labcorp Genetics (formerly Invitae), Labcorp
Classification: Uncertain significance for Alstrom syndrome. Last evaluated: 2025-01-13. Review status: criteria provided, single submitter. Criteria: Invitae Variant Classification Sherloc (09022015). Collection method: clinical testing. Allele origin: germline.
Comment: This sequence change replaces serine, which is neutral and polar, with phenylalanine, which is neutral and non-polar, at codon 190 of the ALMS1 protein (p.Ser190Phe). This variant is not present in population databases (gnomAD no frequency). This variant has not been reported in the literature in individuals affected with ALMS1-related conditions. ClinVar contains an entry for this variant (Variation ID: 1968444). Experimental studies and prediction algorithms are not available or were not evaluated, and the functional significance of this variant is currently unknown. In summary, the available evidence is currently insufficient to determine the role of this variant in disease. Therefore, it has been classified as a Variant of Uncertain Significance.